The following is an entry in ClinVar:

ClinVar aggregate classification (germline): Uncertain significance (1 of 4 stars; one submission).

Submission:

GeneDx
Classification: Uncertain significance. Last evaluated: 2019-07-29. Review status: criteria provided, single submitter. Criteria: GeneDx Variant Classification Process June 2021. Collection method: clinical testing. Allele origin: germline. Affected: yes.
Comment: Has not been previously published as pathogenic or benign to our knowledge; Not observed in large population cohorts (Lek et al., 2016); In silico analysis, which includes protein predictors and evolutionary conservation, supports a deleterious effect

NM_001854.4(COL11A1):c.2764G>A (p.Gly922Arg)

Gene: COL11A1 (collagen type XI alpha 1 chain; minus strand). Cytogenetic location: 1p21.1.
Variant type: single nucleotide variant.
Coding change: c.2764G>A on transcript NM_001854.4 (MANE Select); coding-DNA position 2764, G replaced by A.
Protein change: p.Gly922Arg; replaces glycine 922 with arginine.
Molecular consequence: missense variant. On other transcripts: non-coding transcript variant (1).
Genome position (GRCh38, 1-based): chr1:102,974,874, C>T on the plus strand (G>A on the coding strand, the complement: COL11A1 is on the minus strand). VCF-style: chr1-102974874-C-T. GRCh37 (hg19) VCF-style: chr1-103440430-C-T.
Other names: c.2647G>A, p.Gly883Arg (NM_001190709.2); c.2800G>A, p.Gly934Arg (NM_080629.3); c.2416G>A, p.Gly806Arg (NM_080630.4); short protein forms G806R, G883R, G922R, G934R.
Identifiers: ClinVar variation 1307519 (VCV001307519.2), dbSNP rs2101653447, ClinGen allele CA341162174.
Genomic context (GRCh38, chr1:102,974,874, plus strand): 5'-AAGCTCTGACACTTACAGGAGGGCCTTTTGGTCCAGGGAATCCAACTGGACCCTGAGGTC[C>T]TTGAGGACCCTGGAAATAAAAAGCAGTGGGGAGAAGTTAACAATATGCCTTAGAAGATGC-3'
Protein context (NP_001845.3, residues 912-932): PGPPGERGPQ[Gly922Arg]PQGPVGFPGP